The following is an entry in ClinVar:

ClinVar aggregate classification (germline): Conflicting classifications of pathogenicity. Review status: criteria provided, conflicting classifications (1 of 4 stars). 4 submissions from 4 submitters: Uncertain significance (3); Likely benign (1). Last evaluated 2024-11-29.

Conditions:
Hereditary nonpolyposis colorectal neoplasms. Identifiers: MedGen C0009405, MeSH D003123.
Hereditary cancer-predisposing syndrome. Also called: Hereditary Cancer Syndrome; Hereditary neoplastic syndrome; Tumor predisposition; Neoplastic Syndromes, Hereditary. Identifiers: Orphanet 140162, MedGen C0027672, MeSH D009386, MONDO:0015356.
Lynch syndrome. Identifiers: Orphanet 144, MedGen C4552100, MONDO:0005835. Disease mechanism: loss of function.

Allele frequency attached by ClinVar (database versions not stated): ExAC 0.00001; gnomAD exomes 0.00001; TOPMed 0.00001.
gnomAD v4.1: 5 of 1,614,084 alleles (0.00031%); highest among the groups gnomAD compares: South Asian, 0.0011%; no homozygotes.

Submissions (4):

Labcorp Genetics (formerly Invitae), Labcorp
Classification: Likely benign for Hereditary nonpolyposis colorectal neoplasms. Last evaluated: 2024-11-29. Review status: criteria provided, single submitter. Criteria: Invitae Variant Classification Sherloc (09022015). Collection method: clinical testing. Allele origin: germline.

GeneDx
Classification: Uncertain significance. Last evaluated: 2024-11-08. Review status: criteria provided, single submitter. Criteria: GeneDx Variant Classification Process June 2021. Collection method: clinical testing. Allele origin: germline. Affected: yes.
Comment: Not observed at significant frequency in large population cohorts (gnomAD); In silico analysis supports that this missense variant has a deleterious effect on protein structure/function; Has not been previously published as pathogenic or benign to our knowledge; This variant is associated with the following publications: (PMID: 17531815, 21120944)

Ambry Genetics
Classification: Uncertain significance for Hereditary cancer-predisposing syndrome. Last evaluated: 2023-11-01. Review status: criteria provided, single submitter. Criteria: Ambry Variant Classification Scheme 2023. Collection method: clinical testing. Allele origin: germline.
Comment: The p.S549Y variant (also known as c.1646C>A), located in coding exon 4 of the MSH6 gene, results from a C to A substitution at nucleotide position 1646. The serine at codon 549 is replaced by tyrosine, an amino acid with dissimilar properties. This amino acid position is not well conserved in available vertebrate species. In addition, the in silico prediction for this alteration is inconclusive. Since supporting evidence is limited at this time, the clinical significance of this alteration remains unclear.

All of Us Research Program, National Institutes of Health
Classification: Uncertain significance for Lynch syndrome. Last evaluated: 2023-03-23. Review status: criteria provided, single submitter. Criteria: ACMG Guidelines, 2015. Collection method: clinical testing. Allele origin: germline. Inheritance: Autosomal dominant inheritance. Observed: 1 variant allele, 1 heterozygote.
Comment: This missense variant replaces serine with tyrosine at codon 549 of the MSH6 protein. Computational prediction suggests that this variant may not impact protein structure and function (internally defined REVEL score threshold <= 0.5, PMID: 27666373). To our knowledge, functional studies have not been reported for this variant. This variant has not been reported in individuals affected with MSH6-related disorders in the literature. This variant has been identified in 2/251118 chromosomes in the general population by the Genome Aggregation Database (gnomAD). The available evidence is insufficient to determine the role of this variant in disease conclusively. Therefore, this variant is classified as a Variant of Uncertain Significance.

This study involves interpretation of variants in research participants for the purpose of population health screening. Participant phenotype was not available at the time of variant classification. Additional details can be found in publication PMID: 35346344, PMCID: PMC8962531

NM_000179.3(MSH6):c.1646C>A (p.Ser549Tyr)

Gene: MSH6 (mutS homolog 6; plus strand). Cytogenetic location: 2p16.3.
Variant type: single nucleotide variant.
Coding change: c.1646C>A on transcript NM_000179.3 (MANE Select); coding-DNA position 1646, C replaced by A.
Protein change: p.Ser549Tyr; replaces serine 549 with tyrosine.
Molecular consequence: missense variant.
Genome position (GRCh38, 1-based): chr2:47,799,629, C>A. VCF-style: chr2-47799629-C-A. GRCh37 (hg19) VCF-style: chr2-48026768-C-A.
Other names: p.S549Y:TCT>TAT; c.1256C>A, p.Ser419Tyr (NM_001281492.2); c.740C>A, p.Ser247Tyr (NM_001281493.2, NM_001281494.2); short protein forms S549Y, S247Y, S419Y.
Identifiers: ClinVar variation 127561 (VCV000127561.19), dbSNP rs200447622, ClinGen allele CA008999.
Genomic context (GRCh38, chr2:47,799,629, plus strand): 5'-GTGATCCCTCTGAGAACTACAGTAAGTATCTTCTTAGCCTCAAAGAAAAAGAGGAAGATT[C>A]TTCTGGCCATACTCGTGCATATGGTGTGTGCTTTGTTGATACTTCACTGGGAAAGTTTTT-3'
Protein context (NP_000170.1, residues 539-559): LLSLKEKEED[Ser549Tyr]SGHTRAYGVC